The following is an entry in ClinVar:

ClinVar aggregate classification (germline): Benign/Likely benign. Review status: criteria provided, multiple submitters, no conflicts (2 of 4 stars). 4 submissions from 4 submitters: Benign (1); Likely benign (3). Last evaluated 2025-08-01.

Conditions:
Hereditary cancer-predisposing syndrome. Also called: Hereditary neoplastic syndrome; Neoplastic Syndromes, Hereditary; Tumor predisposition; Hereditary Cancer Syndrome. Identifiers: Orphanet 140162, MedGen C0027672, MeSH D009386, MONDO:0015356.
Familial adenomatous polyposis 1 (FAP1). Also called: POLYPOSIS, ADENOMATOUS INTESTINAL; FAMILIAL ADENOMATOUS POLYPOSIS 1, ATTENUATED. Identifiers: MedGen C2713442, MONDO:0021056, OMIM 175100. Disease mechanism: loss of function.

Submissions (4):

CeGaT Center for Human Genetics Tuebingen
Classification: Likely benign. Last evaluated: 2025-08-01. Review status: criteria provided, single submitter. Criteria: CeGaT Center For Human Genetics Tuebingen Variant Classification Criteria Version 2. Collection method: clinical testing. Allele origin: germline. Affected: yes. Observed: 1 variant allele.
Comment: APC: PM2:Supporting, BP4, BP7

Myriad Genetics, Inc.
Classification: Benign for Familial adenomatous polyposis 1. Last evaluated: 2024-04-09. Review status: criteria provided, single submitter. Criteria: Myriad Autosomal Dominant, Autosomal Recessive and X-Linked Classification Criteria (2023). Collection method: clinical testing. Allele origin: unknown.
Comment: This variant is considered benign. This variant is a silent/synonymous amino acid change and it is not expected to impact splicing.

Labcorp Genetics (formerly Invitae), Labcorp
Classification: Likely benign for Familial adenomatous polyposis 1. Last evaluated: 2022-05-04. Review status: criteria provided, single submitter. Criteria: Invitae Variant Classification Sherloc (09022015). Collection method: clinical testing. Allele origin: germline.

Ambry Genetics
Classification: Likely benign for Hereditary cancer-predisposing syndrome. Last evaluated: 2022-03-08. Review status: criteria provided, single submitter. Criteria: Ambry Variant Classification Scheme 2023. Collection method: clinical testing. Allele origin: germline.

NM_000038.6(APC):c.7383A>G (p.Ser2461=)

Gene: APC (APC regulator of Wnt signaling pathway; plus strand). Cytogenetic location: 5q22.2.
Variant type: single nucleotide variant.
Coding change: c.7383A>G on transcript NM_000038.6 (MANE Select); coding-DNA position 7383, A replaced by G.
Protein change: p.Ser2461=; no amino-acid change (serine 2461 retained).
Molecular consequence: synonymous variant. On other transcripts: non-coding transcript variant (2).
Genome position (GRCh38, 1-based): chr5:112,842,977, A>G. VCF-style: chr5-112842977-A-G. GRCh37 (hg19) VCF-style: chr5-112178674-A-G.
Other names: c.7383A>G, p.Ser2461= (NM_001127510.3, NM_001354895.2, NM_001407450.1); c.7329A>G, p.Ser2443= (NM_001127511.3); c.7437A>G, p.Ser2479= (NM_001354896.2, NM_001407447.1, NM_001407448.1 and 1 more transcripts); c.7413A>G, p.Ser2471= (NM_001354897.2); c.7308A>G, p.Ser2436= (NM_001354898.2); c.7299A>G, p.Ser2433= (NM_001354899.2); c.7260A>G, p.Ser2420= (NM_001354900.2); c.7206A>G, p.Ser2402= (NM_001354901.2, NM_001407453.1); and 11 more.
Identifiers: ClinVar variation 1758622 (VCV001758622.16), dbSNP rs2149985770, ClinGen allele CA446210542.